The following is an entry in ClinVar:

NC_000011.10:g.(?_108335912)_(108340340_?)del

Genes: ATM (ATM serine/threonine kinase; plus strand), C11orf65 (chromosome 11 open reading frame 65; minus strand), LOC129390354 (MPRA-validated peak1451 silencer; plus strand). Cytogenetic location: 11q22.3.
Variant type: Deletion.
Identifiers: ClinVar variation 524495 (VCV000524495.9).

ClinVar aggregate classification (germline): Pathogenic (1 of 4 stars; one submission).

Conditions:
Ataxia-telangiectasia syndrome (AT). Also called: ATAXIA-TELANGIECTASIA, COMPLEMENTATION GROUP A; ATAXIA-TELANGIECTASIA, FRESNO VARIANT; Ataxia-telangiectasia; Ataxia-telangiectasia, complementation group D; AT, COMPLEMENTATION GROUP C; Ataxia-telangiectasia, complementation group E. Identifiers: Orphanet 100, MedGen C0004135, MONDO:0008840, OMIM 208900.

Submission:

Labcorp Genetics (formerly Invitae), Labcorp
Classification: Pathogenic for Ataxia-telangiectasia syndrome. Last evaluated: 2020-05-15. Review status: criteria provided, single submitter. Criteria: Invitae Variant Classification Sherloc (09022015). Collection method: clinical testing. Allele origin: germline.
Comment: For these reasons, this variant has been classified as Pathogenic. Loss-of-function variants in ATM are known to be pathogenic (PMID: 23807571, 25614872). This variant has not been reported in the literature in individuals with ATM-related disease. This variant is a gross deletion of the genomic region encompassing part of exon 56 of the ATM gene, including the exon 56-intron 56 boundary (c.8218_8269-2882del). This likely creates a premature translational stop signal and is expected to result in an absent or disrupted protein product.

Literature cited by the submitters: PubMed 23807571; PubMed 25614872.